The following is an entry in ClinVar:

ClinVar aggregate classification (germline): Benign/Likely benign. Review status: criteria provided, multiple submitters, no conflicts (2 of 4 stars). 5 submissions from 5 submitters: Benign (2); Likely benign (2). 1 of the submissions does not count toward it. Last evaluated 2026-06-17.

Conditions:
Polyps, multiple and recurrent inflammatory fibroid, gastrointestinal. Identifiers: MedGen C5193005, MONDO:0008285, OMIM 175510.
PDGFRA-related disorder. Also called: PDGFRA-related condition.
Hereditary cancer-predisposing syndrome. Also called: Neoplastic Syndromes, Hereditary; Hereditary neoplastic syndrome; Hereditary Cancer Syndrome; Tumor predisposition. Identifiers: Orphanet 140162, MedGen C0027672, MeSH D009386, MONDO:0015356.
Gastrointestinal stromal tumor. Also called: Gastrointestinal stromal tumor, somatic; Gastrointestinal stroma tumor. Identifiers: Orphanet 44890, MedGen C0238198, MeSH D046152, MONDO:0011719, OMIM 606764, HP:0100723.

Allele frequency attached by ClinVar (database versions not stated): ExAC 0.00022; gnomAD exomes 0.00022; ESP Exome Variant Server 0.00062; gnomAD 0.00070 and 0.00075; 1000 Genomes Project 0.00080; TOPMed 0.00081; 1000 Genomes Project 30x 0.00109.
gnomAD v4.1: 260 of 1,522,102 alleles (0.017%); highest among the groups gnomAD compares: African/African-American, 0.26%; no homozygotes.

Submissions (5):

Myriad Genetics, Inc.
Classification: Benign for Polyps, multiple and recurrent inflammatory fibroid, gastrointestinal. Last evaluated: 2026-06-17. Review status: criteria provided, single submitter. Criteria: Myriad Autosomal Dominant, Autosomal Recessive and X-Linked Classification Criteria (2023). Collection method: clinical testing. Allele origin: unknown.
Comment: This variant is considered benign. This variant is a silent/synonymous amino acid change and it is not expected to impact splicing.

Labcorp Genetics (formerly Invitae), Labcorp
Classification: Benign for Gastrointestinal stromal tumor. Last evaluated: 2026-01-28. Review status: criteria provided, single submitter. Criteria: Invitae Variant Classification Sherloc (09022015). Collection method: clinical testing. Allele origin: germline.

Ambry Genetics
Classification: Likely benign for Hereditary cancer-predisposing syndrome. Last evaluated: 2019-07-29. Review status: criteria provided, single submitter. Criteria: Ambry Variant Classification Scheme 2023. Collection method: clinical testing. Allele origin: germline.

Breakthrough Genomics
Classification: Likely benign. Review status: criteria provided, single submitter. Criteria: ACMG Guidelines, 2015. Collection method: not provided. Allele origin: germline. Inheritance: Autosomal dominant inheritance. Affected: yes.

PreventionGenetics, part of Exact Sciences
Classification: Likely benign for PDGFRA-related condition. Last evaluated: 2019-10-28. Review status: no assertion criteria provided. Collection method: clinical testing. Allele origin: germline. Not counted in ClinVar's aggregate classification.
Comment: This variant is classified as likely benign based on ACMG/AMP sequence variant interpretation guidelines (Richards et al. 2015 PMID: 25741868, with internal and published modifications).

NM_006206.6(PDGFRA):c.2421G>A (p.Glu807=)

Gene: PDGFRA (platelet derived growth factor receptor alpha; plus strand). Cytogenetic location: 4q12.
Variant type: single nucleotide variant.
Coding change: c.2421G>A on transcript NM_006206.6 (MANE Select); coding-DNA position 2421, G replaced by A.
Protein change: p.Glu807=; no amino-acid change (glutamic acid 807 retained).
Molecular consequence: synonymous variant.
Genome position (GRCh38, 1-based): chr4:54,285,468, G>A. VCF-style: chr4-54285468-G-A. GRCh37 (hg19) VCF-style: chr4-55151635-G-A.
Other names: c.2496G>A, p.Glu832= (NM_001347828.2); c.2421G>A, p.Glu807= (NM_001347829.2); c.2460G>A, p.Glu820= (NM_001347830.2); c.2421G>A (NM_006206.5).
Identifiers: ClinVar variation 240330 (VCV000240330.20), dbSNP rs144920596, ClinGen allele CA2922851.